The following continues an entry in ClinVar:

UGT1A1*28

ClinVar aggregate classification (germline): Conflicting classifications of pathogenicity; drug response; other. Pathogenic (13); Likely pathogenic (4); Uncertain significance (3); Benign (3).

Submissions 24 to 30 of 30:

Neuberg Centre For Genomic Medicine, NCGM
Classification: Pathogenic for Gilbert syndrome. Review status: criteria provided, single submitter. Criteria: ACMG Guidelines, 2015. Collection method: clinical testing. Allele origin: germline. Inheritance: Autosomal recessive inheritance. Affected: yes.
Comment: The upstream gene c.-40_-39insTA variant, also known as UGT1A1*28 in UGT1A1 gene has been reported previously in individuals affected with UGT1A1 related disorer (Yu et al., 2015; Bogacz et al. 2021). Studies have shown that this variant alters UGT1A1 gene expression (Ciotti et al.,1998). This variant is also known as (TA)7, (TA)7TAA, or A(TA)7TAA. For these reason, this variant has been classified as Pathogenic.

PreventionGenetics, part of Exact Sciences
Classification: Benign. Review status: criteria provided, single submitter. Criteria: ACMG Guidelines, 2015. Collection method: clinical testing. Allele origin: germline.

OMIM
Classification: Affects for GILBERT SYNDROME. Last evaluated: 2009-04-01. Review status: no assertion criteria provided. Collection method: literature only. Allele origin: germline. Not counted in ClinVar's aggregate classification.

OMIM
Classification: Pathogenic for CRIGLER-NAJJAR SYNDROME, TYPE II. Last evaluated: 2009-04-01. Review status: no assertion criteria provided. Collection method: literature only. Allele origin: germline. Not counted in ClinVar's aggregate classification.

OMIM
Classification: Pathogenic for HYPERBILIRUBINEMIA, TRANSIENT FAMILIAL NEONATAL. Last evaluated: 2009-04-01. Review status: no assertion criteria provided. Collection method: literature only. Allele origin: germline. Not counted in ClinVar's aggregate classification.

OMIM
Classification: association for BILIRUBIN, SERUM LEVEL OF, QUANTITATIVE TRAIT LOCUS 1. Last evaluated: 2009-04-01. Review status: no assertion criteria provided. Collection method: literature only. Allele origin: germline. Not counted in ClinVar's aggregate classification.

Department of Traditional Chinese Medicine, Fujian Provincial Hospital
Classification: Likely pathogenic for Crigler-Najjar syndrome, type II. Review status: no assertion criteria provided. Collection method: research. Allele origin: unknown. Not counted in ClinVar's aggregate classification.
Comment: In accordance with the ACMG standards, this mutation aligns with PS3 (Well-established in vitro or in vivo functional studies supportive of a damaging effect on the gene or gene product) and PM3 (For recessive disorders, detected in trans with a pathogenic variant.), so we classified it as a potentially pathogenic mutation.

Literature cited by the submitters: PubMed 7565971 (cited by 7 submitters); PubMed 9435989 (cited by 3 submitters); PubMed 16610035 (cited by Labcorp Genetics (formerly Invitae), Labcorp and Rady Children's Institute for Genomic Medicine, Rady Children's Hospital San Diego); PubMed 28520360 (cited by 3 submitters); PubMed 11003624 (cited by 5 submitters); PubMed 26467199 (cited by 3 submitters); PubMed 9639672 (cited by 5 submitters); PubMed 11370628 (cited by 6 submitters); PubMed 17496722 (cited by Variantyx, Inc. and OMIM); PubMed 10190918 (cited by Variantyx, Inc. and OMIM); PubMed 9653159 (cited by Ambry Genetics and OMIM); PubMed 15100530 (cited by Ambry Genetics); PubMed 15712364 (cited by Ambry Genetics); PubMed 16269258 (cited by Ambry Genetics); PubMed 17229650 (cited by Ambry Genetics); PubMed 18197191 (cited by Ambry Genetics); PubMed 25993113 (cited by Ambry Genetics); PubMed 28518168 (cited by Ambry Genetics); PubMed 32461654 (cited by Ambry Genetics); PubMed 33421605 (cited by Ambry Genetics); PubMed 8596320 (cited by Rady Children's Institute for Genomic Medicine, Rady Children's Hospital San Diego and Women's Health and Genetics/Laboratory Corporation of America, LabCorp); PubMed 20406168 (cited by Medical Genetics Summaries); PubMed 23529007 (cited by Medical Genetics Summaries); PubMed 22676194 (cited by Medical Genetics Summaries); PubMed 17728214 (cited by Medical Genetics Summaries); PubMed 28367249 (cited by Medical Genetics Summaries); PubMed 28074472 (cited by Medical Genetics Summaries); PubMed 32860008 (cited by CENTOGENE GmbH and LLC - Guiding Precision Medicine); PubMed 1692835 (cited by OMIM); PubMed 8514037 (cited by OMIM); PubMed 9342374 (cited by OMIM); PubMed 9621515 (cited by OMIM); PubMed 9375768 (cited by OMIM); Sampietro, M., Lupica, L., Perrero, L., Comino, A., Martinez di Montemuros, F., Cappellini, M. D., Fiorelli, G. The expression of uridine diphosphate glucuronosyltransferase gene is a major determinant of bilirubin level in heterozygous beta-thalassaemia and in glucose-6-phosphate dehydrogenase deficiency. Brit. J. Haemat. 99: 437-439, 1997. (cited by OMIM); PubMed 9446675 (cited by OMIM); PubMed 10968441 (cited by OMIM); PubMed 11061796 (cited by OMIM); PubMed 12402338 (cited by OMIM); PubMed 12859413 (cited by OMIM); PubMed 15372086 (cited by OMIM); PubMed 16114182 (cited by OMIM); PubMed 11425418 (cited by OMIM); PubMed 12850492 (cited by OMIM); PubMed 15857854 (cited by OMIM); PubMed 19243019 (cited by OMIM); DOI 10.1056/NEJM199511023331802 (cited by Department of Traditional Chinese Medicine, Fujian Provincial Hospital).